The following is an entry in ClinVar:

NM_007294.4(BRCA1):c.4358-473T>G

Gene: BRCA1 (BRCA1 DNA repair associated; minus strand). Cytogenetic location: 17q21.31.
Variant type: single nucleotide variant.
Coding change: c.4358-473T>G on transcript NM_007294.4 (MANE Select); 473 bases into the intron before coding-DNA position 4358, T replaced by G.
Molecular consequence: intron variant.
Genome position (GRCh38, 1-based): chr17:43,077,087, A>C on the plus strand (T>G on the coding strand, the complement: BRCA1 is on the minus strand). VCF-style: chr17-43077087-A-C. GRCh37 (hg19) VCF-style: chr17-41229104-A-C.
Other names: c.926-473T>G (NM_001408430.1, NM_001408427.1, NM_001408429.1 and 3 more transcripts); c.4232-476T>G (NM_001407682.1, NM_001407688.1, NM_001407941.1 and 3 more transcripts); c.4232-473T>G (NM_001407676.1, NM_001407940.1, NM_001407671.1 and 5 more transcripts); c.4235-476T>G (NM_001407863.1, NM_001407679.1, NM_001407939.1 and 3 more transcripts); c.4235-473T>G (NM_001407938.1, NM_001407667.1, NM_001407665.1 and 6 more transcripts); c.932-473T>G (NM_001408420.1, NM_001408419.1, NM_001408418.1); c.1046-476T>G (NM_001408404.1, NM_001408397.1, NM_001408396.1 and 5 more transcripts); c.932-476T>G (NM_001408423.1, NM_001408422.1); and 98 more.
Identifiers: ClinVar variation 3134932 (VCV003134932.1), dbSNP rs1401002754, ClinGen allele CA772176338.

ClinVar aggregate classification (germline): Uncertain significance (1 of 4 stars; one submission).

Conditions:
Hereditary cancer-predisposing syndrome. Also called: Neoplastic Syndromes, Hereditary; Tumor predisposition; Hereditary neoplastic syndrome; Hereditary Cancer Syndrome. Identifiers: Orphanet 140162, MedGen C0027672, MeSH D009386, MONDO:0015356.

Allele frequency attached by ClinVar (database versions not stated): gnomAD 0.00001; TOPMed 0.00001.
gnomAD v4.1: 2 of 152,156 alleles (0.0013%); highest among the groups gnomAD compares: Admixed American, 0.013%; no homozygotes.

Submission:

Ambry Genetics
Classification: Uncertain significance for Hereditary cancer-predisposing syndrome. Last evaluated: 2021-07-30. Review status: criteria provided, single submitter. Criteria: Ambry Variant Classification Scheme 2023. Collection method: clinical testing. Allele origin: germline.
Comment: The c.4358-473T>G intronic alteration consists of a T to G substitution 473 nucleotides before coding exon 12 in the BRCA1 gene. Based on insufficient or conflicting evidence, the clinical significance of this alteration remains unclear.